The following is an entry in ClinVar:

NM_001558.4(IL10RA):c.1567T>C (p.Trp523Arg)

Gene: IL10RA (interleukin 10 receptor subunit alpha; plus strand). Cytogenetic location: 11q23.3.
Variant type: single nucleotide variant.
Coding change: c.1567T>C on transcript NM_001558.4 (MANE Select); coding-DNA position 1567, T replaced by C.
Protein change: p.Trp523Arg; replaces tryptophan 523 with arginine.
Molecular consequence: missense variant. On other transcripts: non-coding transcript variant (1).
Genome position (GRCh38, 1-based): chr11:117,999,471, T>C. VCF-style: chr11-117999471-T-C. GRCh37 (hg19) VCF-style: chr11-117870186-T-C.
Other names: short protein forms W523R.
Identifiers: ClinVar variation 2016207 (VCV002016207.1), dbSNP rs2496794177, ClinGen allele CA382781910.

ClinVar aggregate classification (germline): Uncertain significance (1 of 4 stars; one submission).

Conditions:
Inflammatory bowel disease 28. Also called: Inflammatory bowel disease 28, early onset, autosomal recessive. Identifiers: Orphanet 238569, MedGen C2751053, MONDO:0013153, OMIM 613148.

Allele frequency attached by ClinVar (database versions not stated): gnomAD exomes below 0.00001.
gnomAD v4.1: 1 of 1,614,208 alleles (0.000062%); highest among the groups gnomAD compares: Non-Finnish European, 0.000085%; no homozygotes.

Submission:

Labcorp Genetics (formerly Invitae), Labcorp
Classification: Uncertain significance for Inflammatory bowel disease 28. Last evaluated: 2022-08-03. Review status: criteria provided, single submitter. Criteria: Invitae Variant Classification Sherloc (09022015). Collection method: clinical testing. Allele origin: germline.
Comment: This sequence change replaces tryptophan, which is neutral and slightly polar, with arginine, which is basic and polar, at codon 523 of the IL10RA protein (p.Trp523Arg). This variant is not present in population databases (gnomAD no frequency). This variant has not been reported in the literature in individuals affected with IL10RA-related conditions. Algorithms developed to predict the effect of missense changes on protein structure and function (SIFT, PolyPhen-2, Align-GVGD) all suggest that this variant is likely to be tolerated. In summary, the available evidence is currently insufficient to determine the role of this variant in disease. Therefore, it has been classified as a Variant of Uncertain Significance.